The following is an entry in ClinVar:

ClinVar aggregate classification (germline): Uncertain significance (1 of 4 stars; one submission).

Submission:

Labcorp Genetics (formerly Invitae), Labcorp
Classification: Uncertain significance. Last evaluated: 2020-12-13. Review status: criteria provided, single submitter. Criteria: Invitae Variant Classification Sherloc (09022015). Collection method: clinical testing. Allele origin: germline.
Comment: In summary, the available evidence is currently insufficient to determine the role of this variant in disease. Therefore, it has been classified as a Variant of Uncertain Significance. Algorithms developed to predict the effect of missense changes on protein structure and function (SIFT, PolyPhen-2, Align-GVGD) all suggest that this variant is likely to be disruptive, but these predictions have not been confirmed by published functional studies and their clinical significance is uncertain. This variant has not been reported in the literature in individuals with SZT2-related conditions. This variant is not present in population databases (ExAC no frequency). This sequence change replaces valine with alanine at codon 1527 of the SZT2 protein (p.Val1527Ala). The valine residue is highly conserved and there is a small physicochemical difference between valine and alanine.

NM_001365999.1(SZT2):c.4751T>C (p.Val1584Ala)

Gene: SZT2 (SZT2 subunit of KICSTOR complex; plus strand). Cytogenetic location: 1p34.2.
Variant type: single nucleotide variant.
Coding change: c.4751T>C on transcript NM_001365999.1 (MANE Select); coding-DNA position 4751, T replaced by C.
Protein change: p.Val1584Ala; replaces valine 1584 with alanine.
Molecular consequence: missense variant.
Genome position (GRCh38, 1-based): chr1:43,430,766, T>C. VCF-style: chr1-43430766-T-C. GRCh37 (hg19) VCF-style: chr1-43896437-T-C.
Other names: c.4580T>C, p.Val1527Ala (NM_015284.4); short protein forms V1527A, V1584A.
Identifiers: ClinVar variation 1384375 (VCV001384375.8), dbSNP rs2153933894, ClinGen allele CA340022644.